The following is an entry in ClinVar:

NM_001364857.2(ADGRB2):c.2759C>T (p.Pro920Leu)

Gene: ADGRB2 (adhesion G protein-coupled receptor B2; minus strand). Cytogenetic location: 1p35.2.
Variant type: single nucleotide variant.
Coding change: c.2759C>T on transcript NM_001364857.2 (MANE Select); coding-DNA position 2759, C replaced by T.
Protein change: p.Pro920Leu; replaces proline 920 with leucine.
Molecular consequence: missense variant.
Genome position (GRCh38, 1-based): chr1:31,738,213, G>A on the plus strand (C>T on the coding strand, the complement: ADGRB2 is on the minus strand). VCF-style: chr1-31738213-G-A. GRCh37 (hg19) VCF-style: chr1-32203814-G-A.
Other names: c.2759C>T, p.Pro920Leu (NM_001294335.2, NM_001294336.2, NM_001703.2); short protein forms P920L.
Identifiers: ClinVar variation 2349202 (VCV002349202.6), dbSNP rs200992106, ClinGen allele CA735572.

ClinVar aggregate classification (germline): Uncertain significance. Review status: criteria provided, multiple submitters, no conflicts (2 of 4 stars). 2 submissions from 2 submitters: Uncertain significance (2). Last evaluated 2024-12-04.

Allele frequency attached by ClinVar (database versions not stated): ExAC 0.00005; TOPMed 0.00007; gnomAD 0.00008.
gnomAD v4.1: 54 of 1,614,000 alleles (0.0033%); highest among the groups gnomAD compares: African/African-American, 0.008%; no homozygotes.

Submissions (2):

Labcorp Genetics (formerly Invitae), Labcorp
Classification: Uncertain significance. Last evaluated: 2024-12-04. Review status: criteria provided, single submitter. Criteria: Invitae Variant Classification Sherloc (09022015). Collection method: clinical testing. Allele origin: germline.
Comment: This sequence change replaces proline, which is neutral and non-polar, with leucine, which is neutral and non-polar, at codon 920 of the ADGRB2 protein (p.Pro920Leu). This variant is present in population databases (rs200992106, gnomAD 0.01%). This variant has not been reported in the literature in individuals affected with ADGRB2-related conditions. ClinVar contains an entry for this variant (Variation ID: 2349202). An algorithm developed to predict the effect of missense changes on protein structure and function outputs the following: PolyPhen-2: "Not Available". The leucine amino acid residue is found in multiple mammalian species, which suggests that this missense change does not adversely affect protein function. In summary, the available evidence is currently insufficient to determine the role of this variant in disease. Therefore, it has been classified as a Variant of Uncertain Significance.

Ambry Genetics
Classification: Uncertain significance. Last evaluated: 2024-08-19. Review status: criteria provided, single submitter. Criteria: Ambry Variant Classification Scheme 2023. Collection method: clinical testing. Allele origin: germline.